The following is an entry in ClinVar:

ClinVar aggregate classification (germline): Benign/Likely benign. Review status: criteria provided, multiple submitters, no conflicts (2 of 4 stars). 8 submissions from 8 submitters: Benign (1); Likely benign (6). 1 of the submissions does not count toward it. Last evaluated 2025-12-14.

Conditions:
Familial cancer of breast. Also called: hereditary breast carcinoma; BREAST CANCER, FAMILIAL; Hereditary breast cancer. Identifiers: Orphanet 227535, MedGen C0346153, MONDO:0016419, OMIM 114480. Disease mechanism: loss of function.
Hereditary cancer-predisposing syndrome. Also called: Tumor predisposition; Hereditary Cancer Syndrome; Hereditary neoplastic syndrome; Neoplastic Syndromes, Hereditary. Identifiers: Orphanet 140162, MedGen C0027672, MeSH D009386, MONDO:0015356.
ATM-related disorder. Also called: ATM-related disorders; ATM-related condition.
Ataxia-telangiectasia syndrome (AT). Also called: Ataxia telangiectasia (A-T); LOUIS-BAR SYNDROME; Cerebello-oculocutaneous telangiectasia; Immunodeficiency with ataxia telangiectasia; ATAXIA-TELANGIECTASIA, COMPLEMENTATION GROUP A; ATAXIA-TELANGIECTASIA, FRESNO VARIANT. Identifiers: Orphanet 100, MedGen C0004135, MONDO:0008840, OMIM 208900.

Allele frequency attached by ClinVar (database versions not stated): gnomAD exomes below 0.00001 and 0.00001; ExAC 0.00001; gnomAD 0.00005 and 0.00006; TOPMed 0.00006; ESP Exome Variant Server 0.00008.
gnomAD v4.1: 9 of 1,611,020 alleles (0.00056%); highest among the groups gnomAD compares: African/African-American, 0.012%; no homozygotes.

Submissions (8):

Labcorp Genetics (formerly Invitae), Labcorp
Classification: Likely benign for Ataxia-telangiectasia syndrome. Last evaluated: 2025-12-14. Review status: criteria provided, single submitter. Criteria: Invitae Variant Classification Sherloc (09022015). Collection method: clinical testing. Allele origin: germline.

ARUP Laboratories, Molecular Genetics and Genomics, ARUP Laboratories
Classification: Likely benign. Last evaluated: 2025-07-08. Review status: criteria provided, single submitter. Criteria: ARUP Molecular Germline Variant Investigation Process 2024. Collection method: clinical testing. Allele origin: germline.

Women's Health and Genetics/Laboratory Corporation of America, LabCorp
Classification: Likely benign. Last evaluated: 2024-07-19. Review status: criteria provided, single submitter. Criteria: LabCorp Variant Classification Summary - May 2015. Collection method: clinical testing. Allele origin: germline.

Myriad Genetics, Inc.
Classification: Benign for Familial cancer of breast. Last evaluated: 2024-05-15. Review status: criteria provided, single submitter. Criteria: Myriad Autosomal Dominant, Autosomal Recessive and X-Linked Classification Criteria (2023). Collection method: clinical testing. Allele origin: unknown.
Comment: This variant is considered benign. This variant is a silent/synonymous amino acid change and it is not expected to impact splicing.

GeneDx
Classification: Likely benign. Last evaluated: 2020-01-02. Review status: criteria provided, single submitter. Criteria: GeneDx Variant Classification Process June 2021. Collection method: clinical testing. Allele origin: germline. Affected: yes.

Color Diagnostics, LLC DBA Color Health
Classification: Likely benign for Hereditary cancer-predisposing syndrome. Last evaluated: 2019-07-18. Review status: criteria provided, single submitter. Criteria: ACMG Guidelines, 2015. Collection method: clinical testing. Allele origin: germline.

Ambry Genetics
Classification: Likely benign for Hereditary cancer-predisposing syndrome. Last evaluated: 2016-03-21. Review status: criteria provided, single submitter. Criteria: Ambry Variant Classification Scheme 2023. Collection method: clinical testing. Allele origin: germline.

PreventionGenetics, part of Exact Sciences
Classification: Likely benign for ATM-related condition. Last evaluated: 2024-07-12. Review status: no assertion criteria provided. Collection method: clinical testing. Allele origin: germline. Not counted in ClinVar's aggregate classification.
Comment: This variant is classified as likely benign based on ACMG/AMP sequence variant interpretation guidelines (Richards et al. 2015 PMID: 25741868, with internal and published modifications).

NM_000051.4(ATM):c.3639T>C (p.His1213=)

Gene: ATM (ATM serine/threonine kinase; plus strand). Cytogenetic location: 11q22.3.
Variant type: single nucleotide variant.
Coding change: c.3639T>C on transcript NM_000051.4 (MANE Select); coding-DNA position 3639, T replaced by C.
Protein change: p.His1213=; no amino-acid change (histidine 1213 retained).
Molecular consequence: synonymous variant.
Genome position (GRCh38, 1-based): chr11:108,282,772, T>C. VCF-style: chr11-108282772-T-C. GRCh37 (hg19) VCF-style: chr11-108153499-T-C.
Other names: c.3639T>C, p.His1213= (NM_001351834.2).
Identifiers: ClinVar variation 236708 (VCV000236708.24), dbSNP rs142766756, ClinGen allele CA6265330.
Genomic context (GRCh38, chr11:108,282,772, plus strand): 5'-TTTAGAGAAAGTTTCTGAAACTTTTGGATATAGACGTTTAGAAGACTTTATGGCATCTCA[T>C]TTAGATTATCTGGTTTTGGAATGGCTAAATCTTCAAGATACTGAATACAACTTATCTTCT-3'
Protein context (NP_000042.3, residues 1203-1223): YRRLEDFMAS[His1213=]LDYLVLEWLN